The following is an entry in ClinVar:

NM_001348022.3(ZNF606):c.2099G>C (p.Arg700Thr)

Gene: ZNF606 (zinc finger protein 606; minus strand). Cytogenetic location: 19q13.43.
Variant type: single nucleotide variant.
Coding change: c.2099G>C on transcript NM_001348022.3 (MANE Select); coding-DNA position 2099, G replaced by C.
Protein change: p.Arg700Thr; replaces arginine 700 with threonine.
Molecular consequence: missense variant.
Genome position (GRCh38, 1-based): chr19:57,978,581, C>G on the plus strand (G>C on the coding strand, the complement: ZNF606 is on the minus strand). VCF-style: chr19-57978581-C-G. GRCh37 (hg19) VCF-style: chr19-58489949-C-G.
Other names: c.1829G>C, p.Arg610Thr (NM_001348023.3, NM_001348024.3); c.1625G>C, p.Arg542Thr (NM_001348025.3); c.2099G>C, p.Arg700Thr (NM_025027.4); short protein forms R700T, R610T, R542T.
Identifiers: ClinVar variation 92015 (VCV000092015.2), dbSNP rs386352385, ClinGen allele CA232354.
Genomic context (GRCh38, chr19:57,978,581, plus strand): 5'-CTCTCATTAAATGCTTTCCCACATTCATTACACCTGTATGGTTTCTCTCCAGTATGAGTT[C>G]TCCGGTGTGCAATGAGGTGAGAACTACAGTTAAAGGATCTTTCACACTGATTACATTTAT-3'
Protein context (NP_001334951.1, residues 690-710): NCSSHLIAHR[Arg700Thr]THTGEKPYRC

ClinVar aggregate classification (germline): Uncertain significance (0 of 4 stars; one submission).

Submission:

Richard Lifton Laboratory, Yale University School of Medicine
Classification: Uncertain significance. Review status: no assertion criteria provided. Collection method: not provided. Allele origin: somatic.
Comment: ZNF606
ClinVar note: Converted during submission from unknown to Uncertain significance.